The following is an entry in ClinVar:

NM_014000.3(VCL):c.1082A>G (p.Asp361Gly)

Gene: VCL (vinculin; plus strand). Cytogenetic location: 10q22.2.
Variant type: single nucleotide variant.
Coding change: c.1082A>G on transcript NM_014000.3 (MANE Select); coding-DNA position 1082, A replaced by G.
Protein change: p.Asp361Gly; replaces aspartic acid 361 with glycine.
Molecular consequence: missense variant.
Genome position (GRCh38, 1-based): chr10:74,089,255, A>G. VCF-style: chr10-74089255-A-G. GRCh37 (hg19) VCF-style: chr10-75849013-A-G.
Other names: c.1082A>G, p.Asp361Gly (NM_003373.4); short protein forms D361G.
Identifiers: ClinVar variation 4076471 (VCV004076471.1).

ClinVar aggregate classification (germline): Uncertain significance (1 of 4 stars; one submission).

Conditions:
Cardiovascular phenotype. Identifiers: MedGen CN230736.

Submission:

Molecular Diagnostic Laboratory for Inherited Cardiovascular Disease, Montreal Heart Institute
Classification: Uncertain significance for Cardiovascular phenotype. Last evaluated: 2025-07-24. Review status: criteria provided, single submitter. Criteria: ACMG Guidelines, 2015. Collection method: clinical testing. Allele origin: germline. Affected: yes.
Comment: PM2, BP5